The following is an entry in ClinVar:

ClinVar aggregate classification (germline): Uncertain significance (1 of 4 stars; one submission).

Allele frequency attached by ClinVar (database versions not stated): gnomAD exomes 0.00002; ExAC 0.00005; gnomAD 0.00007; ESP Exome Variant Server 0.00008; TOPMed 0.00008.
gnomAD v4.1: 39 of 1,613,120 alleles (0.0024%); highest among the groups gnomAD compares: African/African-American, 0.0094%; 1 homozygote.

Submission:

Labcorp Genetics (formerly Invitae), Labcorp
Classification: Uncertain significance. Last evaluated: 2024-04-22. Review status: criteria provided, single submitter. Criteria: Invitae Variant Classification Sherloc (09022015). Collection method: clinical testing. Allele origin: germline.
Comment: This sequence change replaces serine, which is neutral and polar, with leucine, which is neutral and non-polar, at codon 2673 of the VPS13A protein (p.Ser2673Leu). This variant is present in population databases (rs375193801, gnomAD 0.02%), including at least one homozygous and/or hemizygous individual. This variant has not been reported in the literature in individuals affected with VPS13A-related conditions. ClinVar contains an entry for this variant (Variation ID: 2055050). Advanced modeling of protein sequence and biophysical properties (such as structural, functional, and spatial information, amino acid conservation, physicochemical variation, residue mobility, and thermodynamic stability) performed at Invitae indicates that this missense variant is expected to disrupt VPS13A protein function with a positive predictive value of 80%. In summary, the available evidence is currently insufficient to determine the role of this variant in disease. Therefore, it has been classified as a Variant of Uncertain Significance.

NM_033305.3(VPS13A):c.8018C>T (p.Ser2673Leu)

Gene: VPS13A (vacuolar protein sorting 13 homolog A; plus strand). Cytogenetic location: 9q21.2.
Variant type: single nucleotide variant.
Coding change: c.8018C>T on transcript NM_033305.3 (MANE Select); coding-DNA position 8018, C replaced by T.
Protein change: p.Ser2673Leu; replaces serine 2673 with leucine.
Molecular consequence: missense variant.
Genome position (GRCh38, 1-based): chr9:77,358,421, C>T. VCF-style: chr9-77358421-C-T. GRCh37 (hg19) VCF-style: chr9-79973337-C-T.
Other names: c.7901C>T, p.Ser2634Leu (NM_001018037.2); c.8018C>T, p.Ser2673Leu (NM_001018038.3, NM_015186.4); short protein forms S2673L, S2634L.
Identifiers: ClinVar variation 2055050 (VCV002055050.2), dbSNP rs375193801, ClinGen allele CA5093503.